The following is an entry in ClinVar:

NM_015909.4(NBAS):c.6218A>G (p.His2073Arg)

Gene: NBAS (NBAS subunit of NRZ tethering complex; minus strand). Cytogenetic location: 2p24.3.
Variant type: single nucleotide variant.
Coding change: c.6218A>G on transcript NM_015909.4 (MANE Select); coding-DNA position 6218, A replaced by G.
Protein change: p.His2073Arg; replaces histidine 2073 with arginine.
Molecular consequence: missense variant. On other transcripts: non-coding transcript variant (1).
Genome position (GRCh38, 1-based): chr2:15,232,440, T>C on the plus strand (A>G on the coding strand, the complement: NBAS is on the minus strand). VCF-style: chr2-15232440-T-C. GRCh37 (hg19) VCF-style: chr2-15372564-T-C.
Other names: short protein forms H2073R.
Identifiers: ClinVar variation 1999819 (VCV001999819.4), dbSNP rs2528252522, ClinGen allele CA345887290.
Genomic context (GRCh38, chr2:15,232,440, plus strand): 5'-GAAAGCCAGTTAATGAAGATGCACATACTGTTCTAGTCTTACCCCTTGTCCACACTGGCG[T>C]GGACTGCTGCAACAACACCTTCCAGGACCTTCAGTGGGTCCCTTGGCCCACCAAGGTCAG-3'
Protein context (NP_056993.2, residues 2063-2083): KVLEGVVAAV[His2073Arg]ASVDKGEELV

ClinVar aggregate classification (germline): Uncertain significance (1 of 4 stars; one submission).

Submission:

Labcorp Genetics (formerly Invitae), Labcorp
Classification: Uncertain significance. Last evaluated: 2022-05-28. Review status: criteria provided, single submitter. Criteria: Invitae Variant Classification Sherloc (09022015). Collection method: clinical testing. Allele origin: germline.
Comment: This sequence change replaces histidine, which is basic and polar, with arginine, which is basic and polar, at codon 2073 of the NBAS protein (p.His2073Arg). This variant is not present in population databases (gnomAD no frequency). This variant has not been reported in the literature in individuals affected with NBAS-related conditions. Algorithms developed to predict the effect of missense changes on protein structure and function output the following: SIFT: "Deleterious"; PolyPhen-2: "Benign"; Align-GVGD: "Class C25". The arginine amino acid residue is found in multiple mammalian species, which suggests that this missense change does not adversely affect protein function. In summary, the available evidence is currently insufficient to determine the role of this variant in disease. Therefore, it has been classified as a Variant of Uncertain Significance.